The following is an entry in ClinVar:

NM_018192.4(P3H2):c.1528A>T (p.Thr510Ser)

Gene: P3H2 (prolyl 3-hydroxylase 2; minus strand). Cytogenetic location: 3q28.
Variant type: single nucleotide variant.
Coding change: c.1528A>T on transcript NM_018192.4 (MANE Select); coding-DNA position 1528, A replaced by T.
Protein change: p.Thr510Ser; replaces threonine 510 with serine.
Molecular consequence: missense variant.
Genome position (GRCh38, 1-based): chr3:189,973,929, T>A on the plus strand (A>T on the coding strand, the complement: P3H2 is on the minus strand). VCF-style: chr3-189973929-T-A. GRCh37 (hg19) VCF-style: chr3-189691718-T-A.
Other names: c.1528A>T (NM_018192.3); c.985A>T, p.Thr329Ser (NM_001134418.2); short protein forms T329S, T510S.
Identifiers: ClinVar variation 1922425 (VCV001922425.6), dbSNP rs1355390875, ClinGen allele CA355753629.

ClinVar aggregate classification (germline): Uncertain significance. Review status: criteria provided, multiple submitters, no conflicts (2 of 4 stars). 2 submissions from 2 submitters: Uncertain significance (2). Last evaluated 2024-05-08.

Conditions:
Inborn genetic diseases. Identifiers: MedGen C0950123, MeSH D030342.

Allele frequency attached by ClinVar (database versions not stated): gnomAD 0.00005; TOPMed 0.00005.
gnomAD v4.1: 13 of 1,613,818 alleles (0.00081%); highest among the groups gnomAD compares: African/African-American, 0.017%; no homozygotes.

Submissions (2):

Ambry Genetics
Classification: Uncertain significance for Inborn genetic diseases. Last evaluated: 2024-05-08. Review status: criteria provided, single submitter. Criteria: Ambry Variant Classification Scheme 2023. Collection method: clinical testing. Allele origin: germline.

Labcorp Genetics (formerly Invitae), Labcorp
Classification: Uncertain significance. Last evaluated: 2022-07-02. Review status: criteria provided, single submitter. Criteria: Invitae Variant Classification Sherloc (09022015). Collection method: clinical testing. Allele origin: germline.
Comment: This variant is present in population databases (no rsID available, gnomAD 0.01%). This sequence change replaces threonine, which is neutral and polar, with serine, which is neutral and polar, at codon 510 of the P3H2 protein (p.Thr510Ser). This variant has not been reported in the literature in individuals affected with P3H2-related conditions. Algorithms developed to predict the effect of missense changes on protein structure and function are either unavailable or do not agree on the potential impact of this missense change (SIFT: "Deleterious"; PolyPhen-2: "Possibly Damaging"; Align-GVGD: "Class C0"). In summary, the available evidence is currently insufficient to determine the role of this variant in disease. Therefore, it has been classified as a Variant of Uncertain Significance.